The following is an entry in ClinVar:

ClinVar aggregate classification (germline): Likely pathogenic (1 of 4 stars; one submission).

Conditions:
Rhabdoid tumor predisposition syndrome 2 (RTPS2). Identifiers: Orphanet 231108, Orphanet 69077, MedGen C2750074, MONDO:0013224, OMIM 613325.

Submission:

Labcorp Genetics (formerly Invitae), Labcorp
Classification: Likely pathogenic for Rhabdoid tumor predisposition syndrome 2. Last evaluated: 2024-06-23. Review status: criteria provided, single submitter. Criteria: Invitae Variant Classification Sherloc (09022015). Collection method: clinical testing. Allele origin: germline.
Comment: This sequence change affects a splice site in intron 2 of the SMARCA4 gene. It is expected to disrupt RNA splicing. Variants that disrupt the donor or acceptor splice site typically lead to a loss of protein function (PMID: 16199547), and loss-of-function variants in SMARCA4 are known to be pathogenic (PMID: 24658001, 24658002). This variant is not present in population databases (gnomAD no frequency). This variant has not been reported in the literature in individuals affected with SMARCA4-related conditions. Algorithms developed to predict the effect of sequence changes on RNA splicing suggest that this variant may disrupt the consensus splice site. In summary, the currently available evidence indicates that the variant is pathogenic, but additional data are needed to prove that conclusively. Therefore, this variant has been classified as Likely Pathogenic.

Literature cited by the submitters: PubMed 16199547; PubMed 24658001; PubMed 24658002.

NM_003072.5(SMARCA4):c.222+2_222+5del

Gene: SMARCA4 (SWI/SNF related BAF chromatin remodeling complex subunit ATPase 4; plus strand). Cytogenetic location: 19p13.2.
Variant type: Deletion.
Coding change: c.222+2_222+5del on transcript NM_003072.5 (MANE Select); the canonical splice donor site of the intron after coding-DNA position 222 through 5 bases into the intron after coding-DNA position 222, 4 bases deleted (TAGG; older notation c.222+2_222+5delTAGG).
Molecular consequence: splice donor variant.
Genome position (GRCh38, 1-based): chr19:10,984,375-10,984,378, TAGG deleted; deleting any 4 consecutive bases within chr19:10,984,372-10,984,378 gives the same sequence; the c. name uses the placement nearest the transcript's 3' end. VCF-style (leftmost placement, unchanged base first): chr19-10984371-AAGGT-A. GRCh37 (hg19) VCF-style: chr19-11095047-AAGGT-A.
Other names: c.222+2_222+5del (NM_001128844.3, NM_001128849.3, NM_001128847.4 and 6 more transcripts).
Identifiers: ClinVar variation 3657518 (VCV003657518.2).
Genomic context (GRCh38, chr19:10,984,371, plus strand): 5'-CACCCCATCCCCACCCAGGGGCCTGGAGGGTACCCTCAGGACAACATGCACCAGATGCAC[AAGGT>A]AGGGATCCCTGTGCCCGCCTCGCACCTGCGGCCTCTGCCCACTAGGGCTGCAGGCAGCCT-3'